The following is an entry in ClinVar:

ClinVar aggregate classification (germline): Pathogenic/Likely pathogenic. Review status: criteria provided, multiple submitters, no conflicts (2 of 4 stars). 6 submissions from 6 submitters: Pathogenic (1); Likely pathogenic (4). 1 of the submissions does not count toward it. Last evaluated 2025-11-30.

Conditions:
Leber congenital amaurosis (LCA). Also called: Leber's amaurosis. Identifiers: Orphanet 65, MedGen C0339527, MeSH D057130, MONDO:0018998.
Retinitis pigmentosa (RP). Identifiers: Orphanet 791, MedGen C0035334, MeSH D012174, MONDO:0019200, OMIM 268000. Inheritance: Autosomal dominant, autosomal recessive and X linked inheritance.
Leber congenital amaurosis 13 (LCA13). Identifiers: MedGen C2675186, MONDO:0012990, OMIM 612712.
RDH12-related disorder. Also called: RDH12-related condition; RDH12-related disorders.

Allele frequency attached by ClinVar (database versions not stated): TOPMed 0.00001.

Submissions (6):

Natera, Inc.
Classification: Likely pathogenic for Leber congenital amaurosis. Last evaluated: 2025-11-30. Review status: criteria provided, single submitter. Criteria: Natera Variant Classification Schema (03/2026). Collection method: clinical testing. Allele origin: germline.
Comment: The c.716G>T variant in RDH12 is a missense variant predicted to cause substitution of arginine to leucine at amino acid 239. This variant is rare in the general population with a frequency below the threshold expected for the associated phenotype(s). This variant has been observed in one or more individuals affected with the associated recessive disease, as either homozygous or compound heterozygous with a second variant (PMID: 32141364, 37714431). A different variant at the same position has been determined to be Pathogenic or Likely Pathogenic. Computational prediction algorithms indicate this variant is likely to affect gene or protein function. Given the available evidence, this variant is classified as Likely Pathogenic.

Women's Health and Genetics/Laboratory Corporation of America, LabCorp
Classification: Likely pathogenic for Leber congenital amaurosis. Last evaluated: 2024-07-22. Review status: criteria provided, single submitter. Criteria: LabCorp Variant Classification Summary - May 2015. Collection method: clinical testing. Allele origin: germline.
Comment: Variant summary: RDH12 c.716G>T (p.Arg239Leu) results in a non-conservative amino acid change in the encoded protein sequence. Five of five in-silico tools predict a damaging effect of the variant on protein function. The variant allele was found at a frequency of 4e-06 in 248206 control chromosomes. c.716G>T has been reported in the literature in homozygous or compound heterozygous individuals affected with Leber Congenital Amaurosis (e.g. Schlottmann_2023, Daich Varela_2024, Jin_2022, Sharon_2020, Zanolli_2020). These data indicate that the variant is likely to be associated with disease. To our knowledge, no experimental evidence demonstrating an impact on protein function has been reported. The following publications have been ascertained in the context of this evaluation (PMID: 37714431, 35006499, 37217489, 31456290, 32141364). ClinVar contains an entry for this variant (Variation ID: 536988). Based on the evidence outlined above, the variant was classified as likely pathogenic.

Labcorp Genetics (formerly Invitae), Labcorp
Classification: Pathogenic for Leber congenital amaurosis 13. Last evaluated: 2023-06-29. Review status: criteria provided, single submitter. Criteria: Invitae Variant Classification Sherloc (09022015). Collection method: clinical testing. Allele origin: germline.
Comment: For these reasons, this variant has been classified as Pathogenic. This variant disrupts the p.Arg239 amino acid residue in RDH12. Other variant(s) that disrupt this residue have been observed in individuals with RDH12-related conditions (PMID: 16269441, 24474277), which suggests that this may be a clinically significant amino acid residue. Advanced modeling of protein sequence and biophysical properties (such as structural, functional, and spatial information, amino acid conservation, physicochemical variation, residue mobility, and thermodynamic stability) has been performed at Invitae for this missense variant, however the output from this modeling did not meet the statistical confidence thresholds required to predict the impact of this variant on RDH12 protein function. ClinVar contains an entry for this variant (Variation ID: 536988). This missense change has been observed in individual(s) with autosomal recessive inherited retinal dystrophy and/or Leber congenital amaurosis (PMID: 31456290, 32141364, 35006499; Invitae). In at least one individual the data is consistent with being in trans (on the opposite chromosome) from a pathogenic variant. The frequency data for this variant in the population databases is considered unreliable, as metrics indicate poor data quality at this position in the gnomAD database. This sequence change replaces arginine, which is basic and polar, with leucine, which is neutral and non-polar, at codon 239 of the RDH12 protein (p.Arg239Leu).

DBGen Ocular Genomics
Classification: Likely pathogenic for Retinitis pigmentosa. Last evaluated: 2021-06-21. Review status: criteria provided, single submitter. Criteria: ACMG Guidelines, 2015. Collection method: clinical testing. Allele origin: germline. Affected: yes. Observed: 1 variant allele.

Blueprint Genetics
Classification: Likely pathogenic for RDH12-related disorders. Last evaluated: 2019-04-25. Review status: criteria provided, single submitter. Criteria: ACMG Guidelines, 2015. Collection method: clinical testing. Allele origin: germline. Affected: yes. Observed: 1 variant allele.

Sharon lab, Hadassah-Hebrew University Medical Center
Classification: Likely pathogenic for Retinitis pigmentosa. Last evaluated: 2019-06-23. Review status: no assertion criteria provided. Collection method: research. Allele origin: inherited. Affected: yes. Not counted in ClinVar's aggregate classification.

Literature cited by the submitters: PubMed 32141364 (cited by 3 submitters); PubMed 37714431 (cited by Natera, Inc. and Women's Health and Genetics/Laboratory Corporation of America, LabCorp); PubMed 31456290 (cited by Women's Health and Genetics/Laboratory Corporation of America, LabCorp and Labcorp Genetics (formerly Invitae), Labcorp); PubMed 35006499 (cited by Women's Health and Genetics/Laboratory Corporation of America, LabCorp and Labcorp Genetics (formerly Invitae), Labcorp); PubMed 37217489 (cited by Women's Health and Genetics/Laboratory Corporation of America, LabCorp); PubMed 16269441 (cited by Labcorp Genetics (formerly Invitae), Labcorp); PubMed 24474277 (cited by Labcorp Genetics (formerly Invitae), Labcorp).

NM_152443.3(RDH12):c.716G>T (p.Arg239Leu)

Genes: GPHN (gephyrin; plus strand), RDH12 (retinol dehydrogenase 12; plus strand), ZFYVE26 (zinc finger FYVE-type containing 26; minus strand). Cytogenetic location: 14q24.1.
Variant type: single nucleotide variant.
Coding change: c.716G>T on transcript NM_152443.3 (MANE Select); coding-DNA position 716, G replaced by T.
Protein change: p.Arg239Leu; replaces arginine 239 with leucine.
Molecular consequence: missense variant.
Genome position (GRCh38, 1-based): chr14:67,729,248, G>T. VCF-style: chr14-67729248-G-T. GRCh37 (hg19) VCF-style: chr14-68195965-G-T.
Other names: short protein forms R239L.
Identifiers: ClinVar variation 536988 (VCV000536988.15), dbSNP rs1239043055, ClinGen allele CA390152963.
Genomic context (GRCh38, chr14:67,729,248, plus strand): 5'-CAGGCACCGGGGTCACCACCTACGCAGTGCACCCAGGCGTCGTCCGCTCTGAGCTGGTCC[G>T]GCACTCCTCCCTGCTCTGCCTGCTCTGGCGGCTCTTCTCCCCCTTTGTCAAGACGGCACG-3'
Protein context (NP_689656.2, residues 229-249): HPGVVRSELV[Arg239Leu]HSSLLCLLWR